The following is an entry in ClinVar:

NM_000277.3(PAH):c.168+1G>A

Gene: PAH (phenylalanine hydroxylase; minus strand). Cytogenetic location: 12q23.2.
Variant type: single nucleotide variant.
Coding change: c.168+1G>A on transcript NM_000277.3 (MANE Select); the canonical splice donor site of the intron after coding-DNA position 168, G replaced by A.
Molecular consequence: splice donor variant.
Genome position (GRCh38, 1-based): chr12:102,912,790, C>T on the plus strand (G>A on the coding strand, the complement: PAH is on the minus strand). VCF-style: chr12-102912790-C-T. GRCh37 (hg19) VCF-style: chr12-103306568-C-T.
Other names: NM_000277.2(PAH):c.168+1G>A; c.168+1G>A (NM_001354304.2).
Identifiers: ClinVar variation 102604 (VCV000102604.22), dbSNP rs62514898, ClinGen allele CA229452.

ClinVar aggregate classification (germline): Pathogenic. Review status: reviewed by expert panel (3 of 4 stars). 9 submissions from 9 submitters: Pathogenic (1). 8 of the submissions do not count toward it. Last evaluated 2018-12-09.

Conditions:
PAH-related disorder. Also called: PAH-related condition.
Phenylketonuria (PKU). Also called: Phenylketonuria (PKU); FOLLING DISEASE; OLIGOPHRENIA PHENYLPYRUVICA; Phenylketonurias. Identifiers: Orphanet 716, MedGen C0031485, MONDO:0009861, OMIM 261600. Disease mechanism: loss of function.

Allele frequency attached by ClinVar (database versions not stated): gnomAD exomes 0.00001.
gnomAD v4.1: 16 of 1,596,756 alleles (0.001%); highest among the groups gnomAD compares: Non-Finnish European, 0.0013%; no homozygotes.

Submissions (9):

ClinGen PAH Variant Curation Expert Panel
Classification: Pathogenic for Phenylketonuria. Last evaluated: 2018-12-09. Review status: reviewed by expert panel. Criteria: ClinGen PAH ACMG Specifications v1. Collection method: curation. Allele origin: germline. Inheritance: Autosomal recessive inheritance.
Comment: The c.168+1G>A variant in PAH is at a canonical splice site at intron 3, and is absent in all population databases. It has been identified in trans with a pathogenic variant (Ho, 2014), and as a homozygous variant (PMID: 18294361) in patients with phenylketonuria. Defects in BH4 metabolism were excluded as a cause of elevated phenylalanine in two patients (PMID: 24368688, 8807331). In summary, this variant meets criteria to be classified as pathogenic for PAH. PAH-specific ACMG/AMP criteria applied: PVS1, PM2, PM3, PP4_Moderate.

Department of Molecular Genetics, Istishari Arab Hospital
Classification: Pathogenic for Phenylketonuria. Last evaluated: 2026-06-07. Review status: criteria provided, single submitter. Criteria: ACMG Guidelines, 2015. Collection method: clinical testing. Allele origin: germline. Inheritance: Autosomal recessive inheritance. Affected: yes. Not counted in ClinVar's aggregate classification.
Comment: The PAH variant c.168+1G>A affects the canonical donor splice site and is predicted to disrupt normal protein function. This variant has previously been described as disease-causing for Phenylketonuria (PMID: 1301187, 16199547, 24368688, 8807331, 9634518). It is classified as pathogenic based on the implementation of the ACMG/AMP guidelines.

GeneDx
Classification: Pathogenic. Last evaluated: 2025-01-07. Review status: criteria provided, single submitter. Criteria: GeneDx Variant Classification Process June 2021. Collection method: clinical testing. Allele origin: germline. Affected: yes. Not counted in ClinVar's aggregate classification.
Comment: Canonical splice site variant predicted to result in an in-frame loss of the adjacent exon in a gene for which loss of function is a known mechanism of disease; Not observed at significant frequency in large population cohorts (gnomAD); Classified as not responsive to tetrahydrobiopterin (BH4) therapy (PMID: 24368688); This variant is associated with the following publications: (PMID: 25525159, 32668217, 1301187, 9634518, 8807331, 36845377, 24368688, 18299955, 18294361)

Baylor Genetics
Classification: Pathogenic for Phenylketonuria. Last evaluated: 2023-12-31. Review status: criteria provided, single submitter. Criteria: ACMG Guidelines, 2015. Collection method: clinical testing. Allele origin: unknown. Not counted in ClinVar's aggregate classification.

Labcorp Genetics (formerly Invitae), Labcorp
Classification: Pathogenic for Phenylketonuria. Last evaluated: 2023-04-07. Review status: criteria provided, single submitter. Criteria: Invitae Variant Classification Sherloc (09022015). Collection method: clinical testing. Allele origin: germline. Not counted in ClinVar's aggregate classification.
Comment: This variant is not present in population databases (gnomAD no frequency). For these reasons, this variant has been classified as Pathogenic. Algorithms developed to predict the effect of sequence changes on RNA splicing suggest that this variant may disrupt the consensus splice site. ClinVar contains an entry for this variant (Variation ID: 102604). Disruption of this splice site has been observed in individual(s) with phenylketonuria (PMID: 8807331, 24368688). In at least one individual the data is consistent with being in trans (on the opposite chromosome) from a pathogenic variant. This sequence change affects a donor splice site in intron 2 of the PAH gene. It is expected to disrupt RNA splicing. Variants that disrupt the donor or acceptor splice site typically lead to a loss of protein function (PMID: 16199547), and loss-of-function variants in PAH are known to be pathogenic (PMID: 1301187, 9634518).

Blueprint Genetics
Classification: Pathogenic for PAH-related disorders. Last evaluated: 2022-05-31. Review status: criteria provided, single submitter. Criteria: ACMG Guidelines, 2015. Collection method: clinical testing. Allele origin: germline. Affected: yes. Observed: 1 variant allele. Not counted in ClinVar's aggregate classification.

Natera, Inc.
Classification: Pathogenic for Phenylketonuria. Last evaluated: 2019-12-14. Review status: no assertion criteria provided. Collection method: clinical testing. Allele origin: germline. Not counted in ClinVar's aggregate classification.

Counsyl
Classification: Likely pathogenic for Phenylketonuria. Last evaluated: 2014-06-06. Review status: no assertion criteria provided. Collection method: literature only. Allele origin: unknown. Inheritance: Autosomal recessive inheritance. Not counted in ClinVar's aggregate classification.

DeBelle Laboratory for Biochemical Genetics, MUHC/MCH RESEARCH INSTITUTE
No classification provided. Review status: no classification provided. Collection method: not provided. Allele origin: not provided. Not counted in ClinVar's aggregate classification.

Literature cited by the submitters: PubMed 24368688 (cited by 3 submitters); PubMed 18294361 (cited by ClinGen PAH Variant Curation Expert Panel); PubMed 8807331 (cited by 4 submitters); PubMed 1301187 (cited by Department of Molecular Genetics, Istishari Arab Hospital and Labcorp Genetics (formerly Invitae), Labcorp); PubMed 16199547 (cited by Department of Molecular Genetics, Istishari Arab Hospital and Labcorp Genetics (formerly Invitae), Labcorp); PubMed 9634518 (cited by Department of Molecular Genetics, Istishari Arab Hospital and Labcorp Genetics (formerly Invitae), Labcorp); PubMed 18299955 (cited by Counsyl).